The following is an entry in ClinVar:

NM_024675.4(PALB2):c.26T>C (p.Leu9Pro)

Gene: PALB2 (partner and localizer of BRCA2; minus strand). Cytogenetic location: 16p12.2.
Variant type: single nucleotide variant.
Coding change: c.26T>C on transcript NM_024675.4 (MANE Select); coding-DNA position 26, T replaced by C.
Protein change: p.Leu9Pro; replaces leucine 9 with proline.
Molecular consequence: missense variant.
Genome position (GRCh38, 1-based): chr16:23,641,132, A>G on the plus strand (T>C on the coding strand, the complement: PALB2 is on the minus strand). VCF-style: chr16-23641132-A-G. GRCh37 (hg19) VCF-style: chr16-23652453-A-G.
Other names: short protein forms L9P.
Identifiers: ClinVar variation 1171171 (VCV001171171.3), dbSNP rs515726092, ClinGen allele CA395141136.

ClinVar aggregate classification (germline): Uncertain significance (1 of 4 stars; one submission).

Conditions:
Hereditary cancer-predisposing syndrome. Also called: Tumor predisposition; Hereditary neoplastic syndrome; Hereditary Cancer Syndrome; Neoplastic Syndromes, Hereditary. Identifiers: Orphanet 140162, MedGen C0027672, MeSH D009386, MONDO:0015356.

Submission:

Color Diagnostics, LLC DBA Color Health
Classification: Uncertain significance for Hereditary cancer-predisposing syndrome. Last evaluated: 2024-03-06. Review status: criteria provided, single submitter. Criteria: ACMG Guidelines, 2015. Collection method: clinical testing. Allele origin: germline.
Comment: This missense variant replaces leucine with proline at codon 9 of the PALB2 protein. Computational prediction suggests that this variant may not impact protein structure and function (internally defined REVEL score threshold <= 0.5, PMID: 27666373). To our knowledge, functional studies have not been reported for this variant. This variant has not been reported in individuals affected with hereditary cancer in the literature. This variant has not been identified in the general population by the Genome Aggregation Database (gnomAD). The available evidence is insufficient to determine the role of this variant in disease conclusively. Therefore, this variant is classified as a Variant of Uncertain Significance.